The following is an entry in ClinVar:

ClinVar aggregate classification (germline): Uncertain significance (1 of 4 stars; one submission).

Submission:

Labcorp Genetics (formerly Invitae), Labcorp
Classification: Uncertain significance. Last evaluated: 2025-10-08. Review status: criteria provided, single submitter. Criteria: Invitae Variant Classification Sherloc (09022015). Collection method: clinical testing. Allele origin: germline.
Comment: This sequence change replaces threonine, which is neutral and polar, with alanine, which is neutral and non-polar, at codon 1877 of the FN1 protein (p.Thr1877Ala). This variant is not present in population databases (gnomAD no frequency). This variant has not been reported in the literature in individuals affected with FN1-related conditions. An algorithm developed to predict the effect of missense changes on protein structure and function (PolyPhen-2) suggests that this variant is likely to be disruptive. In summary, the available evidence is currently insufficient to determine the role of this variant in disease. Therefore, it has been classified as a Variant of Uncertain Significance.

NM_212482.4(FN1):c.5629A>G (p.Thr1877Ala)

Gene: FN1 (fibronectin 1; minus strand). Cytogenetic location: 2q35.
Variant type: single nucleotide variant.
Coding change: c.5629A>G on transcript NM_212482.4 (MANE Select); coding-DNA position 5629, A replaced by G.
Protein change: p.Thr1877Ala; replaces threonine 1877 with alanine.
Molecular consequence: missense variant.
Genome position (GRCh38, 1-based): chr2:215,378,256, T>C on the plus strand (A>G on the coding strand, the complement: FN1 is on the minus strand). VCF-style: chr2-215378256-T-C. GRCh37 (hg19) VCF-style: chr2-216242979-T-C.
Other names: c.5629A>G, p.Thr1877Ala (NM_001306129.2); c.5359A>G, p.Thr1787Ala (NM_001306130.2, NM_001365517.2, NM_001365519.2 and 2 more transcripts); c.5086A>G, p.Thr1696Ala (NM_001306131.2, NM_001306132.2, NM_001365523.2 and 2 more transcripts); c.5356A>G, p.Thr1786Ala (NM_001365518.2, NM_001365520.2, NM_001365524.2 and 2 more transcripts); short protein forms T1696A, T1786A, T1787A, T1877A.
Identifiers: ClinVar variation 4803726 (VCV004803726.1).
Genomic context (GRCh38, chr2:215,378,256, plus strand): 5'-CCTGAGCTGGTCTGCTTGTCAAAGTGTCCTTAAGAGCATAGACACTCACTTCATATTTGG[T>C]GGCCACCTAGAGAAATAAGGGCATGGTGAGCTTTAGCAACGTCCTCAACTGAAACCCAAG-3'
Protein context (NP_997647.2, residues 1867-1887): SVVVSGLMVA[Thr1877Ala]KYEVSVYALK